The following is an entry in ClinVar:

ClinVar aggregate classification (germline): Benign (1 of 4 stars; one submission).

Conditions:
Familial cancer of breast. Also called: hereditary breast carcinoma; BREAST CANCER, FAMILIAL; Hereditary breast cancer. Identifiers: Orphanet 227535, MedGen C0346153, MONDO:0016419, OMIM 114480. Disease mechanism: loss of function.

Submission:

Myriad Genetics, Inc.
Classification: Benign for Familial cancer of breast. Last evaluated: 2024-06-07. Review status: criteria provided, single submitter. Criteria: Myriad Autosomal Dominant, Autosomal Recessive and X-Linked Classification Criteria (2023). Collection method: clinical testing. Allele origin: unknown.
Comment: This variant is considered benign. This variant is a silent/synonymous amino acid change and it is not expected to impact splicing.

NM_000051.4(ATM):c.6564T>C (p.Leu2188=)

Genes: ATM (ATM serine/threonine kinase; plus strand), C11orf65 (chromosome 11 open reading frame 65; minus strand). Cytogenetic location: 11q22.3.
Variant type: single nucleotide variant.
Coding change: c.6564T>C on transcript NM_000051.4 (MANE Select); coding-DNA position 6564, T replaced by C.
Protein change: p.Leu2188=; no amino-acid change (leucine 2188 retained).
Molecular consequence: synonymous variant. On other transcripts: intron variant (2).
Genome position (GRCh38, 1-based): chr11:108,321,412, T>C. VCF-style: chr11-108321412-T-C. GRCh37 (hg19) VCF-style: chr11-108192139-T-C.
Other names: c.6564T>C, p.Leu2188= (NM_001351834.2); c.641-12341A>G (NM_001330368.2); c.*39-12341A>G (NM_001351110.2).
Identifiers: ClinVar variation 3254014 (VCV003254014.1), dbSNP rs2136243328.